The following is an entry in ClinVar:

NM_001142800.2(EYS):c.9182_9185del (p.Asn3061fs)

Genes: EYS (EGF-like photoreceptor maintenance factor; minus strand), PHF3 (PHD finger protein 3; plus strand). Cytogenetic location: 6q12.
Variant type: Microsatellite.
Coding change: c.9182_9185del on transcript NM_001142800.2 (MANE Select); coding-DNA positions 9182 to 9185, 4 bases deleted (ATAA; older notation c.9182_9185delATAA).
Protein change: p.Asn3061fs; shifts the reading frame from asparagine 3061.
Molecular consequence: frameshift variant. On other transcripts: 3 prime UTR variant (5).
Genome position (GRCh38, 1-based): chr6:63,720,846-63,720,849, TTAT deleted on the plus strand (ATAA on the coding strand, the reverse complement: EYS is on the minus strand); deleting any 4 consecutive bases within chr6:63,720,846-63,720,853 gives the same sequence; the c. name uses the placement nearest the transcript's 3' end. VCF-style (leftmost placement, unchanged base first): chr6-63720845-GTTAT-G. GRCh37 (hg19) VCF-style: chr6-64430741-GTTAT-G.
Other names: c.*7138TTAT[1] (NM_001290259.2, NM_001370348.2, NM_001370349.2 and 2 more transcripts); c.9245_9248del, p.Asn3082fs (NM_001292009.2); short protein forms N3061fs, N3082fs.
Identifiers: ClinVar variation 2136424 (VCV002136424.10), dbSNP rs1768352761, ClinGen allele CA1633381054.

ClinVar aggregate classification (germline): Pathogenic/Likely pathogenic. Review status: criteria provided, multiple submitters, no conflicts (2 of 4 stars). 6 submissions from 6 submitters: Pathogenic (5); Likely pathogenic (1). Last evaluated 2025-08-29.

Conditions:
Retinitis pigmentosa (RP). Identifiers: Orphanet 791, MedGen C0035334, MeSH D012174, MONDO:0019200, OMIM 268000. Inheritance: Autosomal dominant, autosomal recessive and X linked inheritance.
Retinitis pigmentosa 25 (RP25). Identifiers: Orphanet 791, MedGen C1864446, MONDO:0011272, OMIM 602772.
EYS-related disorder. Also called: EYS-related condition.

Submissions (6):

Natera, Inc.
Classification: Pathogenic for Retinitis pigmentosa type 25. Last evaluated: 2025-08-29. Review status: criteria provided, single submitter. Criteria: Natera Variant Classification Schema (03/2026). Collection method: clinical testing. Allele origin: germline.
Comment: The c.9182_9185delATAA variant in EYS is a frameshift variant predicted to shift the reading frame beginning at codon 3061 and leads to a stop codon 3 codons downstream. This variant is expected to result in nonsense mediated decay, truncation, or a dysfunctional protein product. This variant is rare in the general population with a frequency below the threshold expected for the associated phenotype(s). This variant has been observed in one or more individuals affected with the associated recessive disease, as either homozygous or compound heterozygous with a second variant (PMID: 36764454). Given the available evidence, this variant is classified as Pathogenic.

Dasa
Classification: Likely pathogenic. Last evaluated: 2025-06-16. Review status: criteria provided, single submitter. Criteria: DASA Assertion Criteria. Collection method: clinical testing. Allele origin: germline.
Comment: NM_001142800.2(EYS):c.9182_9185del (p.Asn3061Thrfs*3) is a frameshift variant in EYS predicted to alter the reading frame and introduce a premature termination codon and is predicted to result in an absent or altered protein product. Loss of function is an established disease mechanism for EYS-associated disorders. Segregation data support an association with disease in the reported family/families (PMID: 21069908). This variant has been reported in individuals with EYS-related disorders (PMID: 21069908). Also, this variant is rare in population databases. Based on the currently available evidence, this variant is classified as likely pathogenic.

Baylor Genetics
Classification: Pathogenic for Retinitis pigmentosa 25. Last evaluated: 2024-02-20. Review status: criteria provided, single submitter. Criteria: ACMG Guidelines, 2015. Collection method: clinical testing. Allele origin: unknown.

Women's Health and Genetics/Laboratory Corporation of America, LabCorp
Classification: Pathogenic for Retinitis pigmentosa. Last evaluated: 2023-05-10. Review status: criteria provided, single submitter. Criteria: LabCorp Variant Classification Summary - May 2015. Collection method: clinical testing. Allele origin: germline.
Comment: Variant summary: EYS c.9182_9185delATAA (p.Asn3061ThrfsX3) results in a premature termination codon, predicted to cause a truncation of the encoded protein, which is a commonly known mechanism for disease. At least one pathogenic variant downstream of this position (c.9405T>A, p.Tyr3135Ter) has been reported in affected individuals in the literature (PMIDs: 18976725, 30337596, 32531858) and cited in ClinVar and HGMD as pathogenic and disease-associated. The variant was absent in 156992 control chromosomes (gnomAD). c.9182_9185delATAA has been reported in the literature segregating with disease in multiple individuals affected with Retinitis Pigmentosa from one family (Barragan_2010). These data indicate that the variant is likely to be associated with disease. To our knowledge, no experimental evidence demonstrating an impact on protein function has been reported. The following publication has been ascertained in the context of this evaluation (PMID: 21069908). One clinical diagnostic laboratory has submitted clinical-significance assessments for this variant to ClinVar after 2014 and classified the variant as pathogenic. Based on the evidence outlined above, the variant was classified as pathogenic.

Blueprint Genetics
Classification: Pathogenic for EYS-related disorders. Last evaluated: 2023-05-05. Review status: criteria provided, single submitter. Criteria: ACMG Guidelines, 2015. Collection method: clinical testing. Allele origin: germline. Affected: yes. Observed: 4 variant alleles.

Labcorp Genetics (formerly Invitae), Labcorp
Classification: Pathogenic. Last evaluated: 2022-10-13. Review status: criteria provided, single submitter. Criteria: Invitae Variant Classification Sherloc (09022015). Collection method: clinical testing. Allele origin: germline.
Comment: For these reasons, this variant has been classified as Pathogenic. This variant disrupts a region of the EYS protein in which other variant(s) (p.Tyr3135*) have been determined to be pathogenic (PMID: 18976725, 29159838, 30337596, 31074760). This suggests that this is a clinically significant region of the protein, and that variants that disrupt it are likely to be disease-causing. This premature translational stop signal has been observed in individual(s) with retinitis pigmentosa (PMID: 21069908). This variant is not present in population databases (gnomAD no frequency). This sequence change creates a premature translational stop signal (p.Asn3061Thrfs*3) in the EYS gene. While this is not anticipated to result in nonsense mediated decay, it is expected to disrupt the last 84 amino acid(s) of the EYS protein.

Literature cited by the submitters: PubMed 36764454 (cited by Natera, Inc.); PubMed 21069908 (cited by 3 submitters); PubMed 18976725 (cited by Labcorp Genetics (formerly Invitae), Labcorp); PubMed 29159838 (cited by Labcorp Genetics (formerly Invitae), Labcorp); PubMed 30337596 (cited by Labcorp Genetics (formerly Invitae), Labcorp); PubMed 31074760 (cited by Labcorp Genetics (formerly Invitae), Labcorp).